The following is an entry in ClinVar:

ClinVar aggregate classification (germline): Uncertain significance. Review status: criteria provided, multiple submitters, no conflicts (2 of 4 stars). 2 submissions from 2 submitters: Uncertain significance (2). Last evaluated 2025-09-08.

Conditions:
ENHANCED S-CONE SYNDROME 1 (ESCS1). Also called: RETINOSCHISIS WITH EARLY HEMERALOPIA; FAVRE HYALOIDEORETINAL DEGENERATION. Identifiers: MedGen CN380299, OMIM 268100.

gnomAD v4.1: 2 of 1,611,568 alleles (0.00012%); highest among the groups gnomAD compares: Non-Finnish European, 0.00017%; no homozygotes.

Submissions (2):

Myriad Genetics, Inc.
Classification: Uncertain significance for ENHANCED S-CONE SYNDROME 1. Last evaluated: 2025-09-08. Review status: criteria provided, single submitter. Criteria: Myriad Autosomal Dominant, Autosomal Recessive and X-Linked Classification Criteria (2023). Collection method: clinical testing. Allele origin: unknown.
Comment: NM_014249.2(NR2E3):c.755T>C(L252P) is a missense variant classified as a variant of uncertain significance in the context of enhanced S-cone syndrome. L252P has been observed in cases with relevant disease (PMID: 30466340). Relevant functional assessments of this variant are not available in the literature. L252P has not been observed in referenced population frequency databases. In summary, there is insufficient evidence to classify NM_014249.2(NR2E3):c.755T>C(L252P) as pathogenic or benign. Please note: this variant was assessed in the context of healthy population screening.

Labcorp Genetics (formerly Invitae), Labcorp
Classification: Uncertain significance. Last evaluated: 2024-03-02. Review status: criteria provided, single submitter. Criteria: Invitae Variant Classification Sherloc (09022015). Collection method: clinical testing. Allele origin: germline.
Comment: This sequence change replaces leucine, which is neutral and non-polar, with proline, which is neutral and non-polar, at codon 252 of the NR2E3 protein (p.Leu252Pro). This variant is not present in population databases (gnomAD no frequency). This missense change has been observed in individual(s) with enhanced S-cone syndrome (PMID: 30466340). Advanced modeling of protein sequence and biophysical properties (such as structural, functional, and spatial information, amino acid conservation, physicochemical variation, residue mobility, and thermodynamic stability) performed at Invitae indicates that this missense variant is expected to disrupt NR2E3 protein function with a positive predictive value of 80%. In summary, the available evidence is currently insufficient to determine the role of this variant in disease. Therefore, it has been classified as a Variant of Uncertain Significance.

Literature cited by the submitters: PubMed 30466340 (cited by Myriad Genetics, Inc. and Labcorp Genetics (formerly Invitae), Labcorp).

NM_014249.4(NR2E3):c.755T>C (p.Leu252Pro)

Gene: NR2E3 (nuclear receptor subfamily 2 group E member 3; plus strand). Cytogenetic location: 15q23.
Variant type: single nucleotide variant.
Coding change: c.755T>C on transcript NM_014249.4 (MANE Select); coding-DNA position 755, T replaced by C.
Protein change: p.Leu252Pro; replaces leucine 252 with proline.
Molecular consequence: missense variant.
Genome position (GRCh38, 1-based): chr15:71,813,396, T>C. VCF-style: chr15-71813396-T-C. GRCh37 (hg19) VCF-style: chr15-72105736-T-C.
Other names: c.755T>C, p.Leu252Pro (NM_016346.4); short protein forms L252P.
Identifiers: ClinVar variation 3708644 (VCV003708644.3).